The following is an entry in ClinVar:

ClinVar aggregate classification (germline): Conflicting classifications of pathogenicity. Review status: criteria provided, conflicting classifications (1 of 4 stars). 5 submissions from 5 submitters: Uncertain significance (1); Likely benign (4). Last evaluated 2025-12-03.

Conditions:
Hereditary cancer-predisposing syndrome. Also called: Neoplastic Syndromes, Hereditary; Tumor predisposition; Hereditary Cancer Syndrome; Hereditary neoplastic syndrome. Identifiers: Orphanet 140162, MedGen C0027672, MeSH D009386, MONDO:0015356.
Hereditary breast ovarian cancer syndrome. Also called: Hereditary breast and ovarian cancer syndrome; Hereditary breast and ovarian cancer; Hereditary breast and ovarian cancer syndrome (HBOC); Breast and ovarian cancer; Hereditary breast and/or ovarian cancer syndrome; BRCA1- and BRCA2-Associated Hereditary Breast and Ovarian Cancer. Identifiers: Orphanet 145, MedGen C0677776, MeSH D061325, MONDO:0003582. Disease mechanism: loss of function.

Allele frequency attached by ClinVar (database versions not stated): TOPMed below 0.00001.

Submissions (5):

Labcorp Genetics (formerly Invitae), Labcorp
Classification: Likely benign for Hereditary breast ovarian cancer syndrome. Last evaluated: 2025-12-03. Review status: criteria provided, single submitter. Criteria: Invitae Variant Classification Sherloc (09022015). Collection method: clinical testing. Allele origin: germline.

Women's Health and Genetics/Laboratory Corporation of America, LabCorp
Classification: Likely benign. Last evaluated: 2024-12-06. Review status: criteria provided, single submitter. Criteria: LabCorp Variant Classification Summary - May 2015. Collection method: clinical testing. Allele origin: germline.

Quest Diagnostics Nichols Institute San Juan Capistrano
Classification: Uncertain significance. Last evaluated: 2023-05-11. Review status: criteria provided, single submitter. Criteria: Quest Diagnostics criteria. Collection method: clinical testing. Allele origin: unknown.
Comment: To the best of our knowledge, the variant has not been reported in individuals with BRCA2-related conditions in the published literature. It also has not been reported in large, multi-ethnic general populations. Analysis of this variant using software algorithms for the prediction of the effect of nucleotide changes on splicing yielded predictions that this variant does not affect BRCA2 mRNA splicing . Based on the available information, we are unable to determine the clinical significance of this variant.

Color Diagnostics, LLC DBA Color Health
Classification: Likely benign for Hereditary cancer-predisposing syndrome. Last evaluated: 2022-04-25. Review status: criteria provided, single submitter. Criteria: ACMG Guidelines, 2015. Collection method: clinical testing. Allele origin: germline.

Ambry Genetics
Classification: Likely benign for Hereditary cancer-predisposing syndrome. Last evaluated: 2016-11-29. Review status: criteria provided, single submitter. Criteria: Ambry Variant Classification Scheme 2023. Collection method: clinical testing. Allele origin: germline.

NM_000059.4(BRCA2):c.9873T>C (p.Ser3291=)

Gene: BRCA2 (BRCA2 DNA repair associated; plus strand). Cytogenetic location: 13q13.1.
Variant type: single nucleotide variant.
Coding change: c.9873T>C on transcript NM_000059.4 (MANE Select); coding-DNA position 9873, T replaced by C.
Protein change: p.Ser3291=; no amino-acid change (serine 3291 retained).
Molecular consequence: synonymous variant.
Genome position (GRCh38, 1-based): chr13:32,398,386, T>C. VCF-style: chr13-32398386-T-C. GRCh37 (hg19) VCF-style: chr13-32972523-T-C.
Identifiers: ClinVar variation 481579 (VCV000481579.14), dbSNP rs1555289984, ClinGen allele CA483440209.